The following is an entry in ClinVar:

ClinVar aggregate classification (germline): Uncertain significance (1 of 4 stars; one submission).

Conditions:
Hereditary cancer-predisposing syndrome. Also called: Neoplastic Syndromes, Hereditary; Tumor predisposition; Hereditary neoplastic syndrome; Hereditary Cancer Syndrome. Identifiers: Orphanet 140162, MedGen C0027672, MeSH D009386, MONDO:0015356.

Submission:

Ambry Genetics
Classification: Uncertain significance for Hereditary cancer-predisposing syndrome. Last evaluated: 2025-04-04. Review status: criteria provided, single submitter. Criteria: Ambry Variant Classification Scheme 2023. Collection method: clinical testing. Allele origin: germline.
Comment: The p.G1286E variant (also known as c.3857G>A), located in coding exon 26 of the ALK gene, results from a G to A substitution at nucleotide position 3857. The glycine at codon 1286 is replaced by glutamic acid, an amino acid with similar properties. This amino acid position is conserved. In addition, this alteration is predicted to be deleterious by in silico analysis. Based on the available evidence, the clinical significance of this variant remains unclear.

NM_004304.5(ALK):c.3857G>A (p.Gly1286Glu)

Gene: ALK (ALK receptor tyrosine kinase; minus strand). Cytogenetic location: 2p23.2.
Variant type: single nucleotide variant.
Coding change: c.3857G>A on transcript NM_004304.5 (MANE Select); coding-DNA position 3857, G replaced by A.
Protein change: p.Gly1286Glu; replaces glycine 1286 with glutamic acid.
Molecular consequence: missense variant.
Genome position (GRCh38, 1-based): chr2:29,207,252, C>T on the plus strand (G>A on the coding strand, the complement: ALK is on the minus strand). VCF-style: chr2-29207252-C-T. GRCh37 (hg19) VCF-style: chr2-29430118-C-T.
Other names: c.653G>A, p.Gly218Glu (NM_001353765.2); short protein forms G218E, G1286E.
Identifiers: ClinVar variation 4040508 (VCV004040508.1).
Genomic context (GRCh38, chr2:29,207,252, plus strand): 5'-AATATTCCTTCCATGAAGGCCTCTGGGGGCATCCACTTAACTGGCAGCATGGCACAGCCT[C>T]CCTTTCTATAGTAGCTCGCCCTGTGGGGAAGGAGAGGAAAACCAAACTAGGATCTGGAGA-3'
Protein context (NP_004295.2, residues 1276-1296): DIYRASYYRK[Gly1286Glu]GCAMLPVKWM